The following is an entry in ClinVar:

ClinVar aggregate classification (germline): Uncertain significance (1 of 4 stars; one submission).

gnomAD v4.1: 1 of 1,613,964 alleles (0.000062%); no homozygotes.

Submission:

GeneDx
Classification: Uncertain significance. Last evaluated: 2025-06-10. Review status: criteria provided, single submitter. Criteria: GeneDx Variant Classification Process June 2021. Collection method: clinical testing. Allele origin: germline. Affected: yes.
Comment: Not observed at significant frequency in large population cohorts (gnomAD); In silico analysis suggests that this missense variant does not alter protein structure/function; Has not been previously published as pathogenic or benign to our knowledge

NM_152564.5(VPS13B):c.3803G>T (p.Ser1268Ile)

Gene: VPS13B (vacuolar protein sorting 13 homolog B; plus strand). Cytogenetic location: 8q22.2.
Variant type: single nucleotide variant.
Coding change: c.3803G>T on transcript NM_152564.5 (MANE Select); coding-DNA position 3803, G replaced by T.
Protein change: p.Ser1268Ile; replaces serine 1268 with isoleucine.
Molecular consequence: missense variant.
Genome position (GRCh38, 1-based): chr8:99,481,735, G>T. VCF-style: chr8-99481735-G-T. GRCh37 (hg19) VCF-style: chr8-100493963-G-T.
Other names: c.3803G>T, p.Ser1268Ile (NM_017890.5); short protein forms S1268I.
Identifiers: ClinVar variation 4537660 (VCV004537660.1).